The following is an entry in ClinVar:

ClinVar aggregate classification (germline): Uncertain significance (1 of 4 stars; one submission).

Conditions:
Meckel syndrome, type 11 (MKS11). Identifiers: Orphanet 564, MedGen C3809352, MONDO:0014164, OMIM 615397.
Joubert syndrome 20 (JBTS20). Identifiers: Orphanet 475, MedGen C3554235, MONDO:0013994, OMIM 614970.

Allele frequency attached by ClinVar (database versions not stated): TOPMed below 0.00001; gnomAD 0.00001; gnomAD exomes 0.00001.
gnomAD v4.1: 17 of 1,566,082 alleles (0.0011%); highest among the groups gnomAD compares: Non-Finnish European, 0.0014%; no homozygotes.

Submission:

Labcorp Genetics (formerly Invitae), Labcorp
Classification: Uncertain significance for Joubert syndrome 20; Meckel syndrome, type 11. Last evaluated: 2020-11-26. Review status: criteria provided, single submitter. Criteria: Invitae Variant Classification Sherloc (09022015). Collection method: clinical testing. Allele origin: germline.
Comment: This sequence change replaces histidine with tyrosine at codon 76 of the TMEM231 protein (p.His76Tyr). The histidine residue is weakly conserved and there is a moderate physicochemical difference between histidine and tyrosine. The frequency data for this variant in the population databases is considered unreliable, as metrics indicate insufficient coverage at this position in the ExAC database. This variant has not been reported in the literature in individuals with TMEM231-related conditions. Algorithms developed to predict the effect of missense changes on protein structure and function are either unavailable or do not agree on the potential impact of this missense change (SIFT: "Tolerated"; PolyPhen-2: "Not Available"; Align-GVGD: "Class C0"). In summary, the available evidence is currently insufficient to determine the role of this variant in disease. Therefore, it has been classified as a Variant of Uncertain Significance.

NM_001077418.3(TMEM231):c.139+25C>T

Gene: TMEM231 (transmembrane protein 231; minus strand). Cytogenetic location: 16q23.1.
Variant type: single nucleotide variant.
Coding change: c.139+25C>T on transcript NM_001077418.3 (MANE Select); 25 bases into the intron after coding-DNA position 139, C replaced by T.
Molecular consequence: intron variant. On other transcripts: missense variant (1).
Genome position (GRCh38, 1-based): chr16:75,556,046, G>A on the plus strand (C>T on the coding strand, the complement: TMEM231 is on the minus strand). VCF-style: chr16-75556046-G-A. GRCh37 (hg19) VCF-style: chr16-75589944-G-A.
Other names: c.226C>T, p.His76Tyr (NM_001077416.2); short protein forms H76Y.
Identifiers: ClinVar variation 1475581 (VCV001475581.8), dbSNP rs1474874368, ClinGen allele CA396809935.
Genomic context (GRCh38, chr16:75,556,046, plus strand): 5'-GGGCGGTAGGGAGGCGGTTAGGGAGGCCGGCCCTGGCCGAGCGCGCCCGGGGAGCCTCGT[G>A]GCACAGCGGCCGGGGCAGGCTCACCGTGGCTCCGGAAGGCCACCAGCAGCGGCGGGATGT-3'